The following is an entry in ClinVar:

NM_001386298.1(CIC):c.5211C>T (p.Ile1737=)

Gene: CIC (capicua transcriptional repressor; plus strand). Cytogenetic location: 19q13.2.
Variant type: single nucleotide variant.
Coding change: c.5211C>T on transcript NM_001386298.1 (MANE Select); coding-DNA position 5211, C replaced by T.
Protein change: p.Ile1737=; no amino-acid change (isoleucine 1737 retained).
Molecular consequence: synonymous variant.
Genome position (GRCh38, 1-based): chr19:42,291,252, C>T. VCF-style: chr19-42291252-C-T. GRCh37 (hg19) VCF-style: chr19-42795404-C-T.
Other names: c.2484C>T, p.Ile828= (NM_015125.5, NM_001379484.1, NM_001379485.1); c.5211C>T, p.Ile1737= (NM_001304815.2, NM_001379480.1, NM_001379482.1).
Identifiers: ClinVar variation 781745 (VCV000781745.30), dbSNP rs45535837, ClinGen allele CA9472265.

ClinVar aggregate classification (germline): Benign/Likely benign. Review status: criteria provided, multiple submitters, no conflicts (2 of 4 stars). 5 submissions from 5 submitters: Benign (2); Likely benign (2). 1 of the submissions does not count toward it. Last evaluated 2026-09-01.

Conditions:
CIC-related disorder. Also called: CIC-related condition.

Allele frequency attached by ClinVar (database versions not stated): 1000 Genomes Project 0.00140; 1000 Genomes Project 30x 0.00156; ESP Exome Variant Server 0.00254; TOPMed 0.00256; gnomAD 0.00272 and 0.00289; gnomAD exomes 0.00277 and 0.00408; ExAC 0.00305.
gnomAD v4.1: 6,301 of 1,612,332 alleles (0.39%); highest among the groups gnomAD compares: Non-Finnish European, 0.48%; 9 homozygotes.

Submissions (5):

CeGaT Center for Human Genetics Tuebingen
Classification: Likely benign. Last evaluated: 2026-09-01. Review status: criteria provided, single submitter. Criteria: CeGaT Center For Human Genetics Tuebingen Variant Classification Criteria Version 2. Collection method: clinical testing. Allele origin: germline. Affected: yes. Observed: 24 variant alleles.
Comment: CIC: BP4, BP7, BS1

Blueprint Genetics
Classification: Likely benign. Last evaluated: 2024-11-06. Review status: criteria provided, single submitter. Criteria: ACMG Guidelines, 2015. Collection method: clinical testing. Allele origin: germline.

Labcorp Genetics (formerly Invitae), Labcorp
Classification: Benign. Last evaluated: 2019-12-31. Review status: criteria provided, single submitter. Criteria: Invitae Variant Classification Sherloc (09022015). Collection method: clinical testing. Allele origin: germline.

Breakthrough Genomics
Classification: Benign. Review status: criteria provided, single submitter. Criteria: ACMG Guidelines, 2015. Collection method: not provided. Allele origin: germline. Inheritance: Autosomal dominant inheritance. Affected: yes.

PreventionGenetics, part of Exact Sciences
Classification: Benign for CIC-related condition. Last evaluated: 2021-03-23. Review status: no assertion criteria provided. Collection method: clinical testing. Allele origin: germline. Not counted in ClinVar's aggregate classification.
Comment: This variant is classified as benign based on ACMG/AMP sequence variant interpretation guidelines (Richards et al. 2015 PMID: 25741868, with internal and published modifications).